The following is an entry in ClinVar:

ClinVar aggregate classification (germline): Uncertain significance (1 of 4 stars; one submission).

Conditions:
Autosomal dominant Alport syndrome (ATS3A). Also called: ALPORT SYNDROME 3A, AUTOSOMAL DOMINANT; Alport syndrome dominant type; Renal failure and sensorineural hearing loss. Identifiers: Orphanet 63, Orphanet 88918, MedGen C5882663, MONDO:0007086, OMIM 104200.

Submission:

3billion
Classification: Uncertain significance for Autosomal dominant Alport syndrome. Last evaluated: 2024-02-19. Review status: criteria provided, single submitter. Criteria: ACMG Guidelines, 2015. Collection method: clinical testing. Allele origin: germline. Affected: yes.
Comment: The variant is not observed in the gnomAD v2.1.1 dataset. Predicted Consequence/Location: Missense variant In silico tool predictions suggest damaging effect of the variant on gene or gene product [REVEL: 0.97 (>=0.6, sensitivity 0.68 and specificity 0.92); 3Cnet: 0.80 (>=0.6, sensitivity 0.72 and precision 0.9)]. Therefore, this variant is classified as VUS according to the recommendation of ACMG/AMP guideline.

NM_000091.5(COL4A3):c.3026G>A (p.Gly1009Glu)

Genes: COL4A3 (collagen type IV alpha 3 chain; plus strand), MFF-DT (MFF divergent transcript; minus strand). Cytogenetic location: 2q36.3.
Variant type: single nucleotide variant.
Coding change: c.3026G>A on transcript NM_000091.5 (MANE Select); coding-DNA position 3026, G replaced by A.
Protein change: p.Gly1009Glu; replaces glycine 1009 with glutamic acid.
Molecular consequence: missense variant.
Genome position (GRCh38, 1-based): chr2:227,290,044, G>A. VCF-style: chr2-227290044-G-A. GRCh37 (hg19) VCF-style: chr2-228154760-G-A.
Other names: short protein forms G1009E.
Identifiers: ClinVar variation 3775862 (VCV003775862.1).